The following is an entry in ClinVar:

ClinVar aggregate classification (germline): Uncertain significance (1 of 4 stars; one submission).

Conditions:
Hyperphosphatasia with intellectual disability syndrome 5 (GPIBD11). Also called: GLYCOSYLPHOSPHATIDYLINOSITOL BIOSYNTHESIS DEFECT 11. Identifiers: Orphanet 247262, MedGen C4014958, MONDO:0014457, OMIM 616025.

Submission:

Labcorp Genetics (formerly Invitae), Labcorp
Classification: Uncertain significance for Hyperphosphatasia with intellectual disability syndrome 5. Last evaluated: 2024-09-30. Review status: criteria provided, single submitter. Criteria: Invitae Variant Classification Sherloc (09022015). Collection method: clinical testing. Allele origin: germline.
Comment: This sequence change replaces glycine, which is neutral and non-polar, with valine, which is neutral and non-polar, at codon 163 of the PIGW protein (p.Gly163Val). This variant is not present in population databases (gnomAD no frequency). This variant has not been reported in the literature in individuals affected with PIGW-related conditions. ClinVar contains an entry for this variant (Variation ID: 1384912). Invitae Evidence Modeling of protein sequence and biophysical properties (such as structural, functional, and spatial information, amino acid conservation, physicochemical variation, residue mobility, and thermodynamic stability) indicates that this missense variant is expected to disrupt PIGW protein function with a positive predictive value of 80%. In summary, the available evidence is currently insufficient to determine the role of this variant in disease. Therefore, it has been classified as a Variant of Uncertain Significance.

NM_001346754.2(PIGW):c.488G>T (p.Gly163Val)

Genes: MYO19 (myosin XIX; minus strand), PIGW (phosphatidylinositol glycan anchor biosynthesis class W; plus strand). Cytogenetic location: 17q12.
Variant type: single nucleotide variant.
Coding change: c.488G>T on transcript NM_001346754.2 (MANE Select); coding-DNA position 488, G replaced by T.
Protein change: p.Gly163Val; replaces glycine 163 with valine.
Molecular consequence: missense variant.
Genome position (GRCh38, 1-based): chr17:36,537,589, G>T. VCF-style: chr17-36537589-G-T. GRCh37 (hg19) VCF-style: chr17-34893438-G-T.
Other names: c.488G>T, p.Gly163Val (NM_001346755.2, NM_178517.5); short protein forms G163V.
Identifiers: ClinVar variation 1384912 (VCV001384912.8), dbSNP rs2142616351, ClinGen allele CA399162786.
Genomic context (GRCh38, chr17:36,537,589, plus strand): 5'-CTATTTTGGCTGTGGACTTCCCACTTTTTCCCAGAAGATTTGCCAAAACTGAGCTCTATG[G>T]GACAGGAGCAATGGATTTTGGAGTAGGTGGCTTTGTTTTTGGGTCTGCAATGGTTTGTCT-3'
Protein context (NP_001333683.1, residues 153-173): PRRFAKTELY[Gly163Val]TGAMDFGVGG